The following is an entry in ClinVar:

NM_020297.4(ABCC9):c.1889C>T (p.Ser630Phe)

Gene: ABCC9 (ATP binding cassette subfamily C member 9; minus strand). Cytogenetic location: 12p12.1.
Variant type: single nucleotide variant.
Coding change: c.1889C>T on transcript NM_020297.4 (MANE Select); coding-DNA position 1889, C replaced by T.
Protein change: p.Ser630Phe; replaces serine 630 with phenylalanine.
Molecular consequence: missense variant.
Genome position (GRCh38, 1-based): chr12:21,887,848, G>A on the plus strand (C>T on the coding strand, the complement: ABCC9 is on the minus strand). VCF-style: chr12-21887848-G-A. GRCh37 (hg19) VCF-style: chr12-22040782-G-A.
Other names: c.1889C>T, p.Ser630Phe (NM_001377273.1, NM_005691.4); c.1025C>T, p.Ser342Phe (NM_001377274.1); short protein forms S630F, S342F.
Identifiers: ClinVar variation 2802860 (VCV002802860.4), dbSNP rs1430865936, ClinGen allele CA384135799.
Genomic context (GRCh38, chr12:21,887,848, plus strand): 5'-TCTATTCACAACTTCCAAAACAAAAATAAAGCACTTACAACTCCAGTGTGCTTCTTACAG[G>A]ACTCAAAAGGAAGCGAACTTTCACCAGTTCGCCAACTGTCGTCACCAATCTCATCACTCA-3'
Protein context (NP_064693.2, residues 620-640): RTGESSLPFE[Ser630Phe]CKKHTGVQPK

ClinVar aggregate classification (germline): Uncertain significance. Review status: criteria provided, multiple submitters, no conflicts (2 of 4 stars). 2 submissions from 2 submitters: Uncertain significance (2). Last evaluated 2026-03-29.

Conditions:
Cardiovascular phenotype. Identifiers: MedGen CN230736.
Dilated cardiomyopathy 1O (CMD1O). Also called: CARDIOMYOPATHY, DILATED, WITH VENTRICULAR TACHYCARDIA. Identifiers: Orphanet 154, MedGen C1837839, MONDO:0012062, OMIM 608569.

Allele frequency attached by ClinVar (database versions not stated): gnomAD exomes below 0.00001; TOPMed below 0.00001.
gnomAD v4.1: 1 of 1,612,678 alleles (0.000062%); highest among the groups gnomAD compares: Non-Finnish European, 0.000085%; no homozygotes.

Submissions (2):

Ambry Genetics
Classification: Uncertain significance for Cardiovascular phenotype. Last evaluated: 2026-03-29. Review status: criteria provided, single submitter. Criteria: Ambry Variant Classification Scheme 2023. Collection method: clinical testing. Allele origin: germline.
Comment: The p.S630F variant (also known as c.1889C>T), located in coding exon 13 of the ABCC9 gene, results from a C to T substitution at nucleotide position 1889. The serine at codon 630 is replaced by phenylalanine, an amino acid with highly dissimilar properties. This amino acid position is conserved. In addition, the in silico prediction for this alteration is inconclusive. Based on the available evidence, the clinical significance of this variant remains unclear.

Labcorp Genetics (formerly Invitae), Labcorp
Classification: Uncertain significance for Dilated cardiomyopathy 1O. Last evaluated: 2024-10-29. Review status: criteria provided, single submitter. Criteria: Invitae Variant Classification Sherloc (09022015). Collection method: clinical testing. Allele origin: germline.
Comment: This sequence change replaces serine, which is neutral and polar, with phenylalanine, which is neutral and non-polar, at codon 630 of the ABCC9 protein (p.Ser630Phe). This variant is not present in population databases (gnomAD no frequency). This variant has not been reported in the literature in individuals affected with ABCC9-related conditions. Invitae Evidence Modeling of protein sequence and biophysical properties (such as structural, functional, and spatial information, amino acid conservation, physicochemical variation, residue mobility, and thermodynamic stability) indicates that this missense variant is not expected to disrupt ABCC9 protein function with a negative predictive value of 95%. In summary, the available evidence is currently insufficient to determine the role of this variant in disease. Therefore, it has been classified as a Variant of Uncertain Significance.